The following is an entry in ClinVar:

ClinVar aggregate classification (germline): Uncertain significance. Review status: criteria provided, multiple submitters, no conflicts (2 of 4 stars). 3 submissions from 3 submitters: Uncertain significance (3). Last evaluated 2024-12-12.

Conditions:
Developmental and epileptic encephalopathy, 11 (DEE11). Also called: Early infantile epileptic encephalopathy 11. Identifiers: Orphanet 1934, MedGen C3150987, MONDO:0013388, OMIM 613721.
Seizures, benign familial infantile, 3 (BFIS3). Also called: CONVULSIONS, BENIGN FAMILIAL INFANTILE, 3; Familial neonatal seizures. Identifiers: Orphanet 140927, Orphanet 306, MedGen C1843140, MONDO:0011904, OMIM 607745.

Allele frequency attached by ClinVar (database versions not stated): ExAC 0.00001; TOPMed 0.00001; gnomAD exomes 0.00002 and 0.00005; gnomAD 0.00003 and 0.00004.
gnomAD v4.1: 83 of 1,613,800 alleles (0.0051%); highest among the groups gnomAD compares: Non-Finnish European, 0.0069%; no homozygotes.

Submissions (3):

Labcorp Genetics (formerly Invitae), Labcorp
Classification: Uncertain significance for Seizures, benign familial infantile, 3; Developmental and epileptic encephalopathy, 11. Last evaluated: 2024-12-12. Review status: criteria provided, single submitter. Criteria: Invitae Variant Classification Sherloc (09022015). Collection method: clinical testing. Allele origin: germline.
Comment: This sequence change replaces alanine, which is neutral and non-polar, with threonine, which is neutral and polar, at codon 1874 of the SCN2A protein (p.Ala1874Thr). This variant is present in population databases (rs753977894, gnomAD 0.006%). This missense change has been observed in individuals with clinical features of SCN2A-related conditions (PMID: 34568804; internal data). ClinVar contains an entry for this variant (Variation ID: 331741). Invitae Evidence Modeling of protein sequence and biophysical properties (such as structural, functional, and spatial information, amino acid conservation, physicochemical variation, residue mobility, and thermodynamic stability) indicates that this missense variant is not expected to disrupt SCN2A protein function with a negative predictive value of 95%. In summary, the available evidence is currently insufficient to determine the role of this variant in disease. Therefore, it has been classified as a Variant of Uncertain Significance.

GeneDx
Classification: Uncertain significance. Last evaluated: 2019-03-26. Review status: criteria provided, single submitter. Criteria: GeneDx Variant Classification Process June 2021. Collection method: clinical testing. Allele origin: germline. Affected: yes.
Comment: In silico analysis, which includes protein predictors and evolutionary conservation, supports that this variant does not alter protein structure/function; Has not been previously published as pathogenic or benign to our knowledge; This substitution is predicted to be within the C-terminal cytoplasmic domain

Illumina Laboratory Services, Illumina
Classification: Uncertain significance for Seizures, benign familial infantile, 3. Last evaluated: 2018-01-13. Review status: criteria provided, single submitter. Criteria: ICSL Variant Classification Criteria 13 December 2019. Collection method: clinical testing. Allele origin: germline.

Literature cited by the submitters: PubMed 34568804 (cited by Labcorp Genetics (formerly Invitae), Labcorp).

NM_001040142.2(SCN2A):c.5620G>A (p.Ala1874Thr)

Gene: SCN2A (sodium voltage-gated channel alpha subunit 2; plus strand). Cytogenetic location: 2q24.3.
Variant type: single nucleotide variant.
Coding change: c.5620G>A on transcript NM_001040142.2 (MANE Select); coding-DNA position 5620, G replaced by A.
Protein change: p.Ala1874Thr; replaces alanine 1874 with threonine.
Molecular consequence: missense variant.
Genome position (GRCh38, 1-based): chr2:165,389,426, G>A. VCF-style: chr2-165389426-G-A. GRCh37 (hg19) VCF-style: chr2-166245936-G-A.
Other names: c.5620G>A, p.Ala1874Thr (NM_001040143.2, NM_001371246.1, NM_001371247.1 and 1 more transcripts); short protein forms A1874T.
Identifiers: ClinVar variation 331741 (VCV000331741.12), dbSNP rs753977894, ClinGen allele CA1940407.